The following is an entry in ClinVar:

NM_007194.4(CHEK2):c.28C>T (p.Gln10Ter)

Gene: CHEK2 (checkpoint kinase 2; minus strand). Cytogenetic location: 22q12.1.
Variant type: single nucleotide variant.
Coding change: c.28C>T on transcript NM_007194.4 (MANE Select); coding-DNA position 28, C replaced by T.
Protein change: p.Gln10Ter; replaces glutamine 10 with a stop codon.
Molecular consequence: nonsense.
Genome position (GRCh38, 1-based): chr22:28,734,694, G>A on the plus strand (C>T on the coding strand, the complement: CHEK2 is on the minus strand). VCF-style: chr22-28734694-G-A. GRCh37 (hg19) VCF-style: chr22-29130682-G-A.
Other names: c.28C>T, p.Gln10Ter (NM_001005735.3, NM_001349956.3, NM_145862.3); c.-750C>T (NM_001257387.3); short protein forms Q10*.
Identifiers: ClinVar variation 419362 (VCV000419362.24), dbSNP rs1064793817, ClinGen allele CA16621086.
Genomic context (GRCh38, chr22:28,734,694, plus strand): 5'-CTTGGGACTGGGTAACGCTGCCATGGGGCTGTGAACAGGCACTGCTGCCATGAGACTGCT[G>A]AGCCTCAACATCCGACTCCCGAGACATCACGACCTCAAAAAGAAAGTGTCCAACAACAAA-3'

ClinVar aggregate classification (germline): Pathogenic/Likely pathogenic. Review status: criteria provided, multiple submitters, no conflicts (2 of 4 stars). 7 submissions from 7 submitters: Pathogenic (4); Likely pathogenic (3). Last evaluated 2025-06-24.

Conditions:
Familial cancer of breast. Also called: Hereditary breast cancer; BREAST CANCER, FAMILIAL; hereditary breast carcinoma. Identifiers: Orphanet 227535, MedGen C0346153, MONDO:0016419, OMIM 114480. Disease mechanism: loss of function.
Hereditary cancer-predisposing syndrome. Also called: Hereditary neoplastic syndrome; Tumor predisposition; Neoplastic Syndromes, Hereditary; Hereditary Cancer Syndrome. Identifiers: Orphanet 140162, MedGen C0027672, MeSH D009386, MONDO:0015356.

Allele frequency attached by ClinVar (database versions not stated): gnomAD 0.00001.

Submissions (7):

Labcorp Genetics (formerly Invitae), Labcorp
Classification: Pathogenic for Familial cancer of breast. Last evaluated: 2025-06-24. Review status: criteria provided, single submitter. Criteria: Invitae Variant Classification Sherloc (09022015). Collection method: clinical testing. Allele origin: germline.
Comment: This sequence change creates a premature translational stop signal (p.Gln10*) in the CHEK2 gene. It is expected to result in an absent or disrupted protein product. Loss-of-function variants in CHEK2 are known to be pathogenic (PMID: 21876083, 24713400). This variant is not present in population databases (gnomAD no frequency). This premature translational stop signal has been observed in individual(s) with breast cancer (PMID: 35218119). ClinVar contains an entry for this variant (Variation ID: 419362). For these reasons, this variant has been classified as Pathogenic.

GeneDx
Classification: Likely pathogenic. Last evaluated: 2025-03-19. Review status: criteria provided, single submitter. Criteria: GeneDx Variant Classification Process June 2021. Collection method: clinical testing. Allele origin: germline. Affected: yes.
Comment: Nonsense variant predicted to result in protein truncation or nonsense mediated decay in a gene for which loss of function is a known mechanism of disease; Not observed at significant frequency in large population cohorts (gnomAD); Observed in individual(s) with breast cancer in published literature (PMID: 35218119); This variant is associated with the following publications: (PMID: 32805687, 35218119)

Myriad Genetics, Inc.
Classification: Pathogenic for Familial cancer of breast. Last evaluated: 2023-06-22. Review status: criteria provided, single submitter. Criteria: Myriad Autosomal Dominant, Autosomal Recessive and X-Linked Classification Criteria (2023). Collection method: clinical testing. Allele origin: unknown.
Comment: This variant is considered pathogenic. This variant creates a termination codon and is predicted to result in premature protein truncation.

Ambry Genetics
Classification: Pathogenic for Hereditary cancer-predisposing syndrome. Last evaluated: 2022-12-19. Review status: criteria provided, single submitter. Criteria: Ambry Variant Classification Scheme 2023. Collection method: clinical testing. Allele origin: germline.
Comment: The p.Q10* pathogenic mutation (also known as c.28C>T), located in coding exon 1 of the CHEK2 gene, results from a C to T substitution at nucleotide position 28. This changes the amino acid from a glutamine to a stop codon within coding exon 1. This variant is considered to be rare based on population cohorts in the Genome Aggregation Database (gnomAD). This alteration is expected to result in loss of function by premature protein truncation or nonsense-mediated mRNA decay. As such, this alteration is interpreted as a disease-causing mutation.

Baylor Genetics
Classification: Likely pathogenic for Familial cancer of breast. Last evaluated: 2022-08-06. Review status: criteria provided, single submitter. Criteria: ACMG Guidelines, 2015. Collection method: clinical testing. Allele origin: unknown.

Color Diagnostics, LLC DBA Color Health
Classification: Likely pathogenic for Hereditary cancer-predisposing syndrome. Last evaluated: 2022-01-02. Review status: criteria provided, single submitter. Criteria: ACMG Guidelines, 2015. Collection method: clinical testing. Allele origin: germline.
Comment: This variant changes 1 nucleotide in exon 2 of the CHEK2 gene, creating a premature translation stop signal. This variant is expected to result in an absent or non-functional protein product. To our knowledge, this variant has not been reported in individuals affected with hereditary cancer in the literature. This variant has not been identified in the general population by the Genome Aggregation Database (gnomAD). Loss of CHEK2 function is a known mechanism of disease. Based on the available evidence, this variant is classified as Likely Pathogenic.

Revvity Omics, Revvity
Classification: Pathogenic. Last evaluated: 2019-08-19. Review status: criteria provided, single submitter. Criteria: ACMG Guidelines, 2015. Collection method: clinical testing. Allele origin: germline.

Literature cited by the submitters: PubMed 21876083 (cited by Labcorp Genetics (formerly Invitae), Labcorp); PubMed 24713400 (cited by Labcorp Genetics (formerly Invitae), Labcorp); PubMed 35218119 (cited by Labcorp Genetics (formerly Invitae), Labcorp).